The following is an entry in ClinVar:

ClinVar aggregate classification (germline): Uncertain significance. Review status: criteria provided, multiple submitters, no conflicts (2 of 4 stars). 2 submissions from 2 submitters: Uncertain significance (2). Last evaluated 2024-06-10.

Conditions:
Developmental and epileptic encephalopathy, 9 (DEE9). Also called: Early infantile epileptic encephalopathy 9; JUBERG-HELLMAN SYNDROME; EPILEPSY, FEMALE-RESTRICTED, WITH MENTAL RETARDATION; PCDH19-Related X-Linked Female-Limited Epilepsy with Mental Retardation. Identifiers: Orphanet 101039, Orphanet 2076, MedGen C1848137, MONDO:0010246, OMIM 300088. Disease mechanism: loss of function.

Submissions (2):

GeneDx
Classification: Uncertain significance. Last evaluated: 2024-06-10. Review status: criteria provided, single submitter. Criteria: GeneDx Variant Classification Process June 2021. Collection method: clinical testing. Allele origin: germline. Affected: yes.
Comment: Not observed at significant frequency in large population cohorts (gnomAD); In silico analysis indicates that this missense variant does not alter protein structure/function; Has not been previously published as pathogenic or benign to our knowledge

Labcorp Genetics (formerly Invitae), Labcorp
Classification: Uncertain significance for Developmental and epileptic encephalopathy, 9. Last evaluated: 2024-03-12. Review status: criteria provided, single submitter. Criteria: Invitae Variant Classification Sherloc (09022015). Collection method: clinical testing. Allele origin: germline.
Comment: This sequence change replaces proline, which is neutral and non-polar, with leucine, which is neutral and non-polar, at codon 253 of the PCDH19 protein (p.Pro253Leu). This variant is not present in population databases (gnomAD no frequency). This variant has not been reported in the literature in individuals affected with PCDH19-related conditions. Advanced modeling of protein sequence and biophysical properties (such as structural, functional, and spatial information, amino acid conservation, physicochemical variation, residue mobility, and thermodynamic stability) performed at Invitae indicates that this missense variant is not expected to disrupt PCDH19 protein function with a negative predictive value of 95%. In summary, the available evidence is currently insufficient to determine the role of this variant in disease. Therefore, it has been classified as a Variant of Uncertain Significance.

NM_001184880.2(PCDH19):c.758C>T (p.Pro253Leu)

Gene: PCDH19 (protocadherin 19; minus strand). Cytogenetic location: Xq22.1.
Variant type: single nucleotide variant.
Coding change: c.758C>T on transcript NM_001184880.2 (MANE Select); coding-DNA position 758, C replaced by T.
Protein change: p.Pro253Leu; replaces proline 253 with leucine.
Molecular consequence: missense variant.
Genome position (GRCh38, 1-based): chrX:100,407,840, G>A on the plus strand (C>T on the coding strand, the complement: PCDH19 is on the minus strand). VCF-style: chrX-100407840-G-A. GRCh37 (hg19) VCF-style: chrX-99662838-G-A.
Other names: c.758C>T, p.Pro253Leu (NM_001105243.2, NM_020766.3); short protein forms P253L.
Identifiers: ClinVar variation 3390728 (VCV003390728.3).